The following is an entry in ClinVar:

NM_003079.5(SMARCE1):c.301G>C (p.Gly101Arg)

Gene: SMARCE1 (SWI/SNF related, matrix associated, actin dependent regulator of chromatin, subfamily e, member 1; minus strand). Cytogenetic location: 17q21.2.
Variant type: single nucleotide variant.
Coding change: c.301G>C on transcript NM_003079.5 (MANE Select); coding-DNA position 301, G replaced by C.
Protein change: p.Gly101Arg; replaces glycine 101 with arginine.
Molecular consequence: missense variant.
Genome position (GRCh38, 1-based): chr17:40,636,463, C>G on the plus strand (G>C on the coding strand, the complement: SMARCE1 is on the minus strand). VCF-style: chr17-40636463-C-G. GRCh37 (hg19) VCF-style: chr17-38792715-C-G.
Other names: short protein forms G101R.
Identifiers: ClinVar variation 1305102 (VCV001305102.2), dbSNP rs2143997384, ClinGen allele CA399367290.

ClinVar aggregate classification (germline): Uncertain significance (1 of 4 stars; one submission).

Submission:

GeneDx
Classification: Uncertain significance. Last evaluated: 2019-04-22. Review status: criteria provided, single submitter. Criteria: GeneDx Variant Classification Process June 2021. Collection method: clinical testing. Allele origin: germline. Affected: yes.
Comment: Not observed in large population cohorts (Lek et al., 2016); In silico analysis, which includes protein predictors and evolutionary conservation, supports a deleterious effect; Has not been previously published as pathogenic or benign to our knowledge